The following is an entry in ClinVar:

ClinVar aggregate classification (germline): Conflicting classifications of pathogenicity. Review status: criteria provided, conflicting classifications (1 of 4 stars). 7 submissions from 7 submitters: Uncertain significance (1); Benign (3); Likely benign (3). Last evaluated 2024-07-15.

Conditions:
Maturity-onset diabetes of the young (MODY). Also called: Maturity onset diabetes mellitus in young. Identifiers: Orphanet 552, MedGen C0342276, MONDO:0018911, HP:0004904.

Allele frequency attached by ClinVar (database versions not stated): gnomAD exomes 0.00052; ExAC 0.00064; gnomAD 0.00219 and 0.00237; 1000 Genomes Project 0.00220; 1000 Genomes Project 30x 0.00234; TOPMed 0.00262; ESP Exome Variant Server 0.00284.
gnomAD v4.1: 624 of 1,613,844 alleles (0.039%); highest among the groups gnomAD compares: African/African-American, 0.74%; 5 homozygotes.

Submissions (7):

Blueprint Genetics
Classification: Likely benign. Last evaluated: 2024-07-15. Review status: criteria provided, single submitter. Criteria: ACMG Guidelines, 2015. Collection method: clinical testing. Allele origin: germline.

Women's Health and Genetics/Laboratory Corporation of America, LabCorp
Classification: Benign. Last evaluated: 2024-07-09. Review status: criteria provided, single submitter. Criteria: LabCorp Variant Classification Summary - May 2015. Collection method: clinical testing. Allele origin: germline.
Comment: Variant summary: HNF1A c.*5G>A is located in the untranslated mRNA region downstream of the termination codon. The variant allele was found at a frequency of 0.00052 in 250210 control chromosomes, predominantly at a frequency of 0.0075 within the African or African-American subpopulation in the gnomAD database. The observed variant frequency within African or African-American control individuals in the gnomAD database is approximately 300 fold of the estimated maximal expected allele frequency for a pathogenic variant in HNF1A causing Maturity Onset Diabetes Of The Young 3 phenotype (2.5e-05). To our knowledge, no occurrence of c.*5G>A in individuals affected with Maturity Onset Diabetes Of The Young 3 and no experimental evidence demonstrating its impact on protein function have been reported. ClinVar contains an entry for this variant (Variation ID: 377966). Based on the evidence outlined above, the variant was classified as benign.

GeneDx
Classification: Likely benign. Last evaluated: 2021-06-25. Review status: criteria provided, single submitter. Criteria: GeneDx Variant Classification Process June 2021. Collection method: clinical testing. Allele origin: germline. Affected: yes.

Athena Diagnostics
Classification: Benign. Last evaluated: 2021-04-06. Review status: criteria provided, single submitter. Criteria: Athena Diagnostics criteria. Collection method: clinical testing. Allele origin: unknown.

Genetic Services Laboratory, University of Chicago
Classification: Benign. Last evaluated: 2017-07-26. Review status: criteria provided, single submitter. Criteria: ACMG Guidelines, 2015. Collection method: clinical testing. Allele origin: germline. Affected: no.

Ambry Genetics
Classification: Uncertain significance for Maturity-onset diabetes of the young. Last evaluated: 2015-09-27. Review status: criteria provided, single submitter. Criteria: Ambry Variant Classification Scheme 2023. Collection method: clinical testing. Allele origin: germline.
Comment: The c.*5G>A variant is located in the 3' untranslated region (3&rsquo; UTR) of the HNF1A gene. This variant results from a G to A substitution five bases downstream of the last translated codon. This variant was previously reported in the SNPDatabase as rs112986697. Based on data from the 1000 Genomes Project, the A allele has an overall frequency of approximately 0.14% (3/2098) total alleles studied. The highest observed frequency was 0.86% (1/116) Mexican-American alleles. Based on data from the NHLBI Exome Sequencing Project (ESP), the A allele has an overall frequency of approximately 0.28% (37/13006) total alleles studied, having been observed in 0.84% (37/4406) African American alleles. This nucleotide position is highly conserved in available vertebrate species. Since supporting evidence is limited at this time, the clinical significance of this variant remains unclear.

Clinical Genomics, Uppaluri K&H Personalized Medicine Clinic
Classification: Likely benign for Maturity-onset diabetes of the young. Review status: criteria provided, single submitter. Criteria: K & H Uppaluri Personalized Medicine Clinic Variant Classification & Assertion Criteria_Updated V.1. Collection method: research. Allele origin: unknown. Inheritance: Autosomal dominant inheritance.
Comment: Mutations in HNF1A gene can predispose to MODY3. It is associated with both micro and macrovascular complications of diabetes, especially cardiovascular complications. Associated with glucosuria. May respond well to sulfonylureas. However, more evidence is required to confer the association of this particular variant rs112986697 with MODY3.

Literature cited by the submitters: PubMed 31517624 (cited by Clinical Genomics, Uppaluri K&H Personalized Medicine Clinic); PubMed 32395877 (cited by Clinical Genomics, Uppaluri K&H Personalized Medicine Clinic); PubMed 35328643 (cited by Clinical Genomics, Uppaluri K&H Personalized Medicine Clinic); PubMed 35673428 (cited by Clinical Genomics, Uppaluri K&H Personalized Medicine Clinic).

NM_000545.8(HNF1A):c.*5G>A

Genes: C12orf43 (chromosome 12 open reading frame 43; minus strand), HNF1A (HNF1 homeobox A; plus strand). Cytogenetic location: 12q24.31.
Variant type: single nucleotide variant.
Coding change: c.*5G>A on transcript NM_000545.8 (MANE Select); 5 bases downstream of the stop codon, G replaced by A.
Molecular consequence: 3 prime UTR variant.
Genome position (GRCh38, 1-based): chr12:121,001,197, G>A. VCF-style: chr12-121001197-G-A. GRCh37 (hg19) VCF-style: chr12-121439000-G-A.
Other names: c.*2956C>T (NM_001286191.2, NM_001286196.2, NM_022895.3); c.*5G>A (NM_001306179.2, NM_001406915.1).
Identifiers: ClinVar variation 377966 (VCV000377966.14), dbSNP rs112986697, ClinGen allele CA6832216.
Genomic context (GRCh38, chr12:121,001,197, plus strand): 5'-ACCACAGCGTCATCGAGACCTTCATCTCCACCCAGATGGCCTCTTCCTCCCAGTAACCAC[G>A]GCACCTGGGCCCTGGGGCCTGTACTGCCTGCTTGGGGGGTGATGAGGGCAGCAGCCAGCC-3'